The following is an entry in ClinVar:

NM_000273.3(GPR143):c.8C>T (p.Ser3Phe)

Gene: GPR143 (G protein-coupled receptor 143; minus strand). Cytogenetic location: Xp22.2.
Variant type: single nucleotide variant.
Coding change: c.8C>T on transcript NM_000273.3 (MANE Select); coding-DNA position 8, C replaced by T.
Protein change: p.Ser3Phe; replaces serine 3 with phenylalanine.
Molecular consequence: missense variant.
Genome position (GRCh38, 1-based): chrX:9,765,810, G>A on the plus strand (C>T on the coding strand, the complement: GPR143 is on the minus strand). VCF-style: chrX-9765810-G-A. GRCh37 (hg19) VCF-style: chrX-9733850-G-A.
Other names: short protein forms S3F.
Identifiers: ClinVar variation 1966511 (VCV001966511.5), dbSNP rs2518642496, ClinGen allele CA412001067.

ClinVar aggregate classification (germline): Uncertain significance (1 of 4 stars; one submission).

Submission:

Labcorp Genetics (formerly Invitae), Labcorp
Classification: Uncertain significance. Last evaluated: 2024-03-27. Review status: criteria provided, single submitter. Criteria: Invitae Variant Classification Sherloc (09022015). Collection method: clinical testing. Allele origin: germline.
Comment: This sequence change replaces serine, which is neutral and polar, with phenylalanine, which is neutral and non-polar, at codon 3 of the GPR143 protein (p.Ser3Phe). This variant is not present in population databases (gnomAD no frequency). This variant has not been reported in the literature in individuals affected with GPR143-related conditions. ClinVar contains an entry for this variant (Variation ID: 1966511). Advanced modeling of protein sequence and biophysical properties (such as structural, functional, and spatial information, amino acid conservation, physicochemical variation, residue mobility, and thermodynamic stability) performed at Invitae indicates that this missense variant is expected to disrupt GPR143 protein function with a positive predictive value of 80%. In summary, the available evidence is currently insufficient to determine the role of this variant in disease. Therefore, it has been classified as a Variant of Uncertain Significance.